The following is an entry in ClinVar:

ClinVar aggregate classification (germline): Uncertain significance (1 of 4 stars; one submission).

Conditions:
Koolen-de Vries syndrome (KDVS). Identifiers: Orphanet 96169, MedGen C1864871, MONDO:0012496, OMIM 610443.

Submission:

Labcorp Genetics (formerly Invitae), Labcorp
Classification: Uncertain significance for Koolen-de Vries syndrome. Last evaluated: 2022-02-10. Review status: criteria provided, single submitter. Criteria: Invitae Variant Classification Sherloc (09022015). Collection method: clinical testing. Allele origin: germline.
Comment: In summary, the available evidence is currently insufficient to determine the role of this variant in disease. Therefore, it has been classified as a Variant of Uncertain Significance. Algorithms developed to predict the effect of missense changes on protein structure and function are either unavailable or do not agree on the potential impact of this missense change (SIFT: "Tolerated"; PolyPhen-2: "Possibly Damaging"; Align-GVGD: "Class C15"). This variant has not been reported in the literature in individuals affected with KANSL1-related conditions. This variant is not present in population databases (gnomAD no frequency). This sequence change replaces threonine, which is neutral and polar, with isoleucine, which is neutral and non-polar, at codon 828 of the KANSL1 protein (p.Thr828Ile).

NM_015443.4(KANSL1):c.2483C>T (p.Thr828Ile)

Gene: KANSL1 (KAT8 regulatory NSL complex subunit 1). Cytogenetic location: 17q21.31.
Variant type: single nucleotide variant.
Coding change: c.2483C>T on transcript NM_015443.4 (MANE Select); coding-DNA position 2483, C replaced by T.
Protein change: p.Thr828Ile; replaces threonine 828 with isoleucine.
Molecular consequence: missense variant.
Genome position (GRCh38, 1-based): chr17:46,038,596, G>A on the plus strand (C>T on the coding strand, the complement: KANSL1 is on the minus strand). VCF-style: chr17-46038596-G-A. GRCh37 (hg19) VCF-style: chr17-44115962-G-A.
Other names: c.2483C>T (NM_001193466.1); c.2483C>T, p.Thr828Ile (NM_001193465.2, NM_001193466.2, NM_001379198.1); short protein forms T828I.
Identifiers: ClinVar variation 1366943 (VCV001366943.9), dbSNP rs2077220546, ClinGen allele CA399980294.
Genomic context (GRCh38, chr17:46,038,596, plus strand): 5'-ACCGATGTGCTGGCTGTAACCTGTGAGCTAGAGCTGGCGGGTGCAGGGGAATCTGAGGAG[G>A]TGGAGAGCTGTCGCACCAAGGGACTGTGTGGAGGATGGTGGGTGGCTGCCAAGTAGCTCG-3'
Protein context (NP_056258.1, residues 818-838): PHSPLVRQLS[Thr828Ile]SSDSPAPASS